The following is an entry in ClinVar:

ClinVar aggregate classification (germline): Uncertain significance (1 of 4 stars; one submission).

gnomAD v4.1: 4 of 398,590 alleles (0.001%); highest among the groups gnomAD compares: Non-Finnish European, 0.0018%; no homozygotes.

Submission:

Women's Health and Genetics/Laboratory Corporation of America, LabCorp
Classification: Uncertain significance. Last evaluated: 2025-05-27. Review status: criteria provided, single submitter. Criteria: LabCorp Variant Classification Summary - May 2015. Collection method: clinical testing. Allele origin: germline.
Comment: Variant summary: CIC c.-10946G>A (also known as NM_001304815 c.1976G>A; p.Arg659His) is located in the untranscribed region upstream of the CIC gene region. The variant was absent in 506 control chromosomes (gnomAD). The available data on variant occurrences in the general population are insufficient to allow any conclusion about variant significance. To our knowledge, no occurrence of c.-10946G>A in individuals affected with Mental Retardation, Autosomal Dominant 45 and no experimental evidence demonstrating its impact on protein function have been reported. No submitters have cited clinical-significance assessments for this variant to ClinVar. Based on the evidence outlined above, the variant was classified as uncertain significance.

NM_001386298.1(CIC):c.1976G>A (p.Arg659His)

Gene: CIC (capicua transcriptional repressor; plus strand). Cytogenetic location: 19q13.2.
Variant type: single nucleotide variant.
Coding change: c.1976G>A on transcript NM_001386298.1 (MANE Select); coding-DNA position 1976, G replaced by A.
Protein change: p.Arg659His; replaces arginine 659 with histidine.
Molecular consequence: missense variant. On other transcripts: genic upstream transcript variant (1).
Genome position (GRCh38, 1-based): chr19:42,273,759, G>A. VCF-style: chr19-42273759-G-A. GRCh37 (hg19) VCF-style: chr19-42777911-G-A.
Other names: c.1976G>A, p.Arg659His (NM_001304815.2, NM_001379480.1, NM_001379482.1); c.-10946G>A (NM_015125.5); short protein forms R659H.
Identifiers: ClinVar variation 3902659 (VCV003902659.1).